The following is an entry in ClinVar:

ClinVar aggregate classification (germline): Uncertain significance (1 of 4 stars; one submission).

Conditions:
MELAS syndrome (MELAS). Also called: Juvenile myopathy, encephalopathy, lactic acidosis, stroke. Identifiers: Orphanet 550, MedGen C0162671, MONDO:0010789, OMIM 540000.

Submission:

Wong Mito Lab, Molecular and Human Genetics, Baylor College of Medicine
Classification: Uncertain significance for MELAS syndrome. Last evaluated: 2019-07-12. Review status: criteria provided, single submitter. Criteria: Modified ACMG Guidelines (Unpublished). Collection method: clinical testing. Allele origin: germline.
Comment: The NC_012920.1:m.12255T>C variant in MT-TS2 gene is interpreted to be a Unknown Significance variant based on the modified ACMG guidelines (unpublished). This variant meets the following evidence codes reported in the guidelines: PP6, PP7

Literature cited by the submitters: PubMed 31965079.

NC_012920.1(MT-TS2):m.12255T>C

Gene: MT-TS2 (mitochondrially encoded tRNA serine 2 (AGU/C); plus strand).
Variant type: single nucleotide variant.
Genome position: chrM-12255-T-C.
Identifiers: ClinVar variation 690176 (VCV000690176.1), dbSNP rs1603223640, ClinGen allele CA913169878.